The following is an entry in ClinVar:

ClinVar aggregate classification (germline): Benign. Review status: criteria provided, multiple submitters, no conflicts (2 of 4 stars). 2 submissions from 2 submitters: Benign (2). Last evaluated 2018-06-14.

Allele frequency attached by ClinVar (database versions not stated): 1000 Genomes Project 0.05651; 1000 Genomes Project 30x 0.05965; TOPMed 0.07400; gnomAD 0.07439 and 0.07466; gnomAD exomes 0.09255.

Submissions (2):

GeneDx
Classification: Benign. Last evaluated: 2018-06-14. Review status: criteria provided, single submitter. Criteria: GeneDx Variant Classification (06012015). Collection method: clinical testing. Allele origin: germline. Affected: yes.
Comment: This variant is considered likely benign or benign based on one or more of the following criteria: it is a conservative change, it occurs at a poorly conserved position in the protein, it is predicted to be benign by multiple in silico algorithms, and/or has population frequency not consistent with disease.

Blueprint Genetics
Classification: Benign. Last evaluated: 2018-05-04. Review status: criteria provided, single submitter. Criteria: ACMG Guidelines, 2015. Collection method: clinical testing. Allele origin: germline.

NM_003244.4(TGIF1):c.16+1037del

Gene: TGIF1 (TGFB induced factor homeobox 1; plus strand). Cytogenetic location: 18p11.31.
Variant type: Deletion.
Coding change: c.16+1037del on transcript NM_003244.4 (MANE Select); 1037 bases into the intron after coding-DNA position 16, one base deleted (A; older notation c.16+1037delA).
Molecular consequence: intron variant.
Genome position (GRCh38, 1-based): chr18:3,451,542, A deleted. VCF-style (leftmost placement, unchanged base first): chr18-3451541-GA-G. GRCh37 (hg19) VCF-style: chr18-3451539-GA-G.
Other names: c.-44-4812del (NM_174886.3, NM_001278686.3); c.58+3745del (NM_173207.4); c.-45+3003del (NM_001374396.1); c.25+1886del (NM_001278682.2); c.16+1037del (NM_173208.3, NM_001278684.2); c.-45+1472del (NM_173209.3).
Identifiers: ClinVar variation 674962 (VCV000674962.2), dbSNP rs150513143, ClinGen allele CA295563091.